The following is an entry in ClinVar:

ClinVar aggregate classification (germline): Conflicting classifications of pathogenicity. Review status: criteria provided, conflicting classifications (1 of 4 stars). 2 submissions from 2 submitters: Uncertain significance (1); Likely benign (1). Last evaluated 2026-06-26.

Conditions:
AKR1C4-related disorder. Also called: AKR1C4-related condition.

Allele frequency attached by ClinVar (database versions not stated): ExAC 0.00002; ESP Exome Variant Server 0.00008; gnomAD 0.00008; TOPMed 0.00013.
gnomAD v4.1: 17 of 1,613,828 alleles (0.0011%); highest among the groups gnomAD compares: African/African-American, 0.02%; no homozygotes.

Submissions (2):

PreventionGenetics, part of Exact Sciences
Classification: Uncertain significance for AKR1C4-related condition. Last evaluated: 2026-06-26. Review status: criteria provided, single submitter. Criteria: ACMG Guidelines, 2015. Collection method: clinical testing. Allele origin: germline.
Comment: The AKR1C4 c.280A>T variant is predicted to result in the amino acid substitution p.Met94Leu. To our knowledge, this variant has not been reported in the literature. This variant is reported in 0.016% of alleles in individuals of African descent in gnomAD. At this time, the clinical significance of this variant is uncertain due to the absence of conclusive functional and genetic evidence.

Ambry Genetics
Classification: Likely benign. Last evaluated: 2022-09-06. Review status: criteria provided, single submitter. Criteria: Ambry Variant Classification Scheme 2023. Collection method: clinical testing. Allele origin: germline.

NM_001818.5(AKR1C4):c.280A>T (p.Met94Leu)

Gene: AKR1C4 (aldo-keto reductase family 1 member C4; plus strand). Cytogenetic location: 10p15.1.
Variant type: single nucleotide variant.
Coding change: c.280A>T on transcript NM_001818.5 (MANE Select); coding-DNA position 280, A replaced by T.
Protein change: p.Met94Leu; replaces methionine 94 with leucine.
Molecular consequence: missense variant.
Genome position (GRCh38, 1-based): chr10:5,204,404, A>T. VCF-style: chr10-5204404-A-T. GRCh37 (hg19) VCF-style: chr10-5246367-A-T.
Other names: short protein forms M94L.
Identifiers: ClinVar variation 3107880 (VCV003107880.2), dbSNP rs367596754, ClinGen allele CA5391359.
Genomic context (GRCh38, chr10:5,204,404, plus strand): 5'-TATTCAACATAAATCCTTTATTTTACCATGCAGCTTTGGTGCACTTTCTTTCAACCACAG[A>T]TGGTCCAACCAGCCTTGGAAAGCTCACTGAAAAAACTTCAACTGGACTATGTTGACCTCT-3'
Protein context (NP_001809.4, residues 84-104): KLWCTFFQPQ[Met94Leu]VQPALESSLK